The following is an entry in ClinVar:

NM_012186.3(FOXE3):c.471C>G (p.Asn157Lys)

Genes: FOXE3 (forkhead box E3; plus strand), LINC01389 (long independently transcribed non-coding RNA 1389; minus strand). Cytogenetic location: 1p33.
Variant type: single nucleotide variant.
Coding change: c.471C>G on transcript NM_012186.3 (MANE Select); coding-DNA position 471, C replaced by G.
Protein change: p.Asn157Lys; replaces asparagine 157 with lysine.
Molecular consequence: missense variant.
Genome position (GRCh38, 1-based): chr1:47,416,786, C>G. VCF-style: chr1-47416786-C-G. GRCh37 (hg19) VCF-style: chr1-47882458-C-G.
Other names: short protein forms N157K.
Identifiers: ClinVar variation 1307626 (VCV001307626.5), dbSNP rs749859478, ClinGen allele CA340250063.

ClinVar aggregate classification (germline): Uncertain significance. Review status: criteria provided, multiple submitters, no conflicts (2 of 4 stars). 3 submissions from 3 submitters: Uncertain significance (3). Last evaluated 2025-11-04.

Conditions:
Cardiovascular phenotype. Identifiers: MedGen CN230736.
Congenital primary aphakia. Also called: ANTERIOR SEGMENT DYSGENESIS 2; Anterior segment dysgenesis 2, multiple subtypes. Identifiers: Orphanet 83461, MedGen C1853230, MONDO:0012456, OMIM 610256.
Anterior segment dysgenesis. Also called: Ocular anterior segment dysgenesis. Identifiers: Orphanet 88632, MedGen C1862839, MONDO:0019503, HP:0007700.

Allele frequency attached by ClinVar (database versions not stated): TOPMed 0.00002; gnomAD 0.00004.

Submissions (3):

Ambry Genetics
Classification: Uncertain significance for Cardiovascular phenotype. Last evaluated: 2025-11-04. Review status: criteria provided, single submitter. Criteria: Ambry Variant Classification Scheme 2023. Collection method: clinical testing. Allele origin: germline.
Comment: The p.N157K variant (also known as c.471C>G), located in coding exon 1 of the FOXE3 gene, results from a C to G substitution at nucleotide position 471. The asparagine at codon 157 is replaced by lysine, an amino acid with similar properties. This amino acid position is conserved. In addition, the in silico prediction for this alteration is inconclusive. Since supporting evidence is limited at this time, the clinical significance of this alteration remains unclear.

Labcorp Genetics (formerly Invitae), Labcorp
Classification: Uncertain significance for Anterior segment dysgenesis; Congenital primary aphakia. Last evaluated: 2024-09-05. Review status: criteria provided, single submitter. Criteria: Invitae Variant Classification Sherloc (09022015). Collection method: clinical testing. Allele origin: germline.
Comment: This sequence change replaces asparagine, which is neutral and polar, with lysine, which is basic and polar, at codon 157 of the FOXE3 protein (p.Asn157Lys). This variant is present in population databases (no rsID available, gnomAD 0.003%). This variant has not been reported in the literature in individuals affected with FOXE3-related conditions. ClinVar contains an entry for this variant (Variation ID: 1307626). Invitae Evidence Modeling of protein sequence and biophysical properties (such as structural, functional, and spatial information, amino acid conservation, physicochemical variation, residue mobility, and thermodynamic stability) has been performed for this missense variant. However, the output from this modeling did not meet the statistical confidence thresholds required to predict the impact of this variant on FOXE3 protein function. In summary, the available evidence is currently insufficient to determine the role of this variant in disease. Therefore, it has been classified as a Variant of Uncertain Significance.

GeneDx
Classification: Uncertain significance. Last evaluated: 2020-09-08. Review status: criteria provided, single submitter. Criteria: GeneDx Variant Classification Process June 2021. Collection method: clinical testing. Allele origin: germline. Affected: yes.
Comment: In silico analysis supports that this missense variant has a deleterious effect on protein structure/function; Has not been previously published as pathogenic or benign to our knowledge